The following is an entry in ClinVar:

ClinVar aggregate classification (germline): Pathogenic (1 of 4 stars; one submission).

Conditions:
Hereditary spastic paraplegia 48. Also called: SPASTIC PARAPLEGIA 48, AUTOSOMAL RECESSIVE; Spastic paraplegia 48. Identifiers: Orphanet 306511, MedGen C3150901, MONDO:0013342, OMIM 613647.

Submission:

Labcorp Genetics (formerly Invitae), Labcorp
Classification: Pathogenic for Hereditary spastic paraplegia 48. Last evaluated: 2025-10-22. Review status: criteria provided, single submitter. Criteria: Invitae Variant Classification Sherloc (09022015). Collection method: clinical testing. Allele origin: germline.
Comment: This sequence change creates a premature translational stop signal (p.Cys693Trpfs*5) in the AP5Z1 gene. It is expected to result in an absent or disrupted protein product. Loss-of-function variants in AP5Z1 are known to be pathogenic (PMID: 20613862, 27606357). This variant is present in population databases (no rsID available, gnomAD 0.009%). This variant has not been reported in the literature in individuals affected with AP5Z1-related conditions. ClinVar contains an entry for this variant (Variation ID: 2041213). For these reasons, this variant has been classified as Pathogenic.

Literature cited by the submitters: PubMed 20613862; PubMed 27606357.

NM_014855.3(AP5Z1):c.2079_2091del (p.Cys693fs)

Gene: AP5Z1 (adaptor related protein complex 5 subunit zeta 1; plus strand). Cytogenetic location: 7p22.1.
Variant type: Deletion.
Coding change: c.2079_2091del on transcript NM_014855.3 (MANE Select); coding-DNA positions 2079 to 2091, 13 bases deleted (TCCCCCCCAGGTG).
Protein change: p.Cys693fs; shifts the reading frame from cysteine 693.
Molecular consequence: frameshift variant. On other transcripts: non-coding transcript variant (1).
Genome position (GRCh38, 1-based): chr7:4,790,813-4,790,825, TCCCCCCCAGGTG deleted; deleting any 13 consecutive bases within chr7:4,790,805-4,790,825 gives the same sequence; the c. name uses the placement nearest the transcript's 3' end. VCF-style (leftmost placement, unchanged base first): chr7-4790804-GCCCAGGTGTCCCC-G. GRCh37 (hg19) VCF-style: chr7-4830435-GCCCAGGTGTCCCC-G.
Other names: c.1611_1623del, p.Cys537fs (NM_001364858.1); short protein forms C537fs, C693fs.
Identifiers: ClinVar variation 2041213 (VCV002041213.4), dbSNP rs1562414986, ClinGen allele CA453630050.